The following is an entry in ClinVar:

NM_002474.3(MYH11):c.5611C>G (p.Gln1871Glu)

Genes: MYH11 (myosin heavy chain 11; minus strand), NDE1 (nudE neurodevelopment protein 1; plus strand). Cytogenetic location: 16p13.11.
Variant type: single nucleotide variant.
Coding change: c.5611C>G on transcript NM_002474.3 (MANE Select); coding-DNA position 5611, C replaced by G.
Protein change: p.Gln1871Glu; replaces glutamine 1871 with glutamic acid.
Molecular consequence: missense variant. On other transcripts: intron variant (2).
Genome position (GRCh38, 1-based): chr16:15,715,166, G>C on the plus strand (C>G on the coding strand, the complement: MYH11 is on the minus strand). VCF-style: chr16-15715166-G-C. GRCh37 (hg19) VCF-style: chr16-15809023-G-C.
Other names: c.5632C>G, p.Gln1878Glu (NM_001040113.2, NM_001040114.2); c.5611C>G, p.Gln1871Glu (NM_022844.3); c.948-9025G>C (NM_001143979.2, NM_017668.3); short protein forms Q1871E, Q1878E.
Identifiers: ClinVar variation 4976180 (VCV004976180.1).
Genomic context (GRCh38, chr16:15,715,166, plus strand): 5'-GTTAGGGGAGGCCGGCTGGGGGCTGGGGGCTCGAGGGAGGCTGGGTGGCAGGGGCTACCT[G>C]CTCCTTGTACTGCTCGGCCATCTTGCGCTCGTCCTCCACCTGCAGCAAGATTTCCTTCAG-3'
Protein context (NP_002465.1, residues 1861-1881): ERKMAEQYKE[Gln1871Glu]AEKGNARVKQ

ClinVar aggregate classification (germline): Uncertain significance (1 of 4 stars; one submission).

Submission:

GeneDx
Classification: Uncertain significance. Last evaluated: 2026-02-04. Review status: criteria provided, single submitter. Criteria: GeneDx Variant Classification Process June 2021. Collection method: clinical testing. Allele origin: germline.
Comment: Not observed at significant frequency in large population cohorts (gnomAD); In silico analysis supports that this missense variant has a deleterious effect on protein structure/function; Has not been previously published as pathogenic or benign to our knowledge; This variant is associated with the following publications: (PMID: 21529752)